The following is an entry in ClinVar:

NM_000465.4(BARD1):c.1461G>T (p.Val487=)

Gene: BARD1 (BRCA1 associated RING domain 1; minus strand). Cytogenetic location: 2q35.
Variant type: single nucleotide variant.
Coding change: c.1461G>T on transcript NM_000465.4 (MANE Select); coding-DNA position 1461, G replaced by T.
Protein change: p.Val487=; no amino-acid change (valine 487 retained).
Molecular consequence: synonymous variant. On other transcripts: non-coding transcript variant (3), intron variant (3).
Genome position (GRCh38, 1-based): chr2:214,767,589, C>A on the plus strand (G>T on the coding strand, the complement: BARD1 is on the minus strand). VCF-style: chr2-214767589-C-A. GRCh37 (hg19) VCF-style: chr2-215632313-C-A.
Other names: c.1461G>T (NM_000465.2); c.1404G>T, p.Val468= (NM_001282543.2); c.159-15034G>T (NM_001282548.2); c.216-15034G>T (NM_001282545.2); c.364+24708G>T (NM_001282549.2).
Identifiers: ClinVar variation 917787 (VCV000917787.14), dbSNP rs1694272372, ClinGen allele CA431129563.

ClinVar aggregate classification (germline): Conflicting classifications of pathogenicity. Review status: criteria provided, conflicting classifications (1 of 4 stars). 5 submissions from 5 submitters: Uncertain significance (1); Benign (1); Likely benign (3). Last evaluated 2025-11-21.

Conditions:
Familial cancer of breast. Also called: Hereditary breast cancer; hereditary breast carcinoma; BREAST CANCER, FAMILIAL. Identifiers: Orphanet 227535, MedGen C0346153, MONDO:0016419, OMIM 114480. Disease mechanism: loss of function.
Hereditary cancer-predisposing syndrome. Also called: Tumor predisposition; Hereditary neoplastic syndrome; Hereditary Cancer Syndrome; Neoplastic Syndromes, Hereditary. Identifiers: Orphanet 140162, MedGen C0027672, MeSH D009386, MONDO:0015356.

gnomAD v4.1: 4 of 1,614,066 alleles (0.00025%); highest among the groups gnomAD compares: Non-Finnish European, 0.00034%; no homozygotes.

Submissions (5):

Labcorp Genetics (formerly Invitae), Labcorp
Classification: Likely benign for Familial cancer of breast. Last evaluated: 2025-11-21. Review status: criteria provided, single submitter. Criteria: Invitae Variant Classification Sherloc (09022015). Collection method: clinical testing. Allele origin: germline.

Myriad Genetics, Inc.
Classification: Benign for Familial cancer of breast. Last evaluated: 2024-07-25. Review status: criteria provided, single submitter. Criteria: Myriad Autosomal Dominant, Autosomal Recessive and X-Linked Classification Criteria (2023). Collection method: clinical testing. Allele origin: unknown.
Comment: This variant is considered benign. This variant is a silent/synonymous amino acid change and it is not expected to impact splicing.

Ambry Genetics
Classification: Likely benign for Hereditary cancer-predisposing syndrome. Last evaluated: 2023-08-24. Review status: criteria provided, single submitter. Criteria: Ambry Variant Classification Scheme 2023. Collection method: clinical testing. Allele origin: germline.

Quest Diagnostics Nichols Institute San Juan Capistrano
Classification: Uncertain significance. Last evaluated: 2023-01-19. Review status: criteria provided, single submitter. Criteria: Quest Diagnostics criteria. Collection method: clinical testing. Allele origin: unknown.
Comment: To the best of our knowledge, the variant has not been reported in the published literature. It also has not been reported in large, multi-ethnic general populations. Analysis of this variant using software algorithms for the prediction of the effect of nucleotide changes on splicing yielded predictions that this variant does not affect BARD1 mRNA splicing . Based on the available information, we are unable to determine the clinical significance of this variant.

Women's Health and Genetics/Laboratory Corporation of America, LabCorp
Classification: Likely benign. Last evaluated: 2020-04-17. Review status: criteria provided, single submitter. Criteria: LabCorp Variant Classification Summary - May 2015. Collection method: clinical testing. Allele origin: germline.
Comment: Variant summary: BARD1 c.1461G>T alters a non-conserved nucleotide resulting in a synonymous change. 4/4 computational tools predict no significant impact on normal splicing. However, these predictions have yet to be confirmed by functional studies. The variant was absent in 251340 control chromosomes (gnomAD). The available data on variant occurrences in the general population are insufficient to allow any conclusion about variant significance. To our knowledge, no occurrence of c.1461G>T in individuals affected with Hereditary Breast and Ovarian Cancer Syndrome and no experimental evidence demonstrating its impact on protein function have been reported. No clinical diagnostic laboratories have submitted clinical-significance assessments for this variant to ClinVar after 2014. Based on the evidence outlined above, the variant was classified as likely benign.